The following is an entry in ClinVar:

ClinVar aggregate classification (germline): Likely benign. Review status: criteria provided, single submitter (1 of 4 stars). 2 submissions from 2 submitters: Likely benign (1). 1 of the submissions does not count toward it. Last evaluated 2025-11-16.

Conditions:
NEU1-related disorder. Also called: NEU1-related condition.

Allele frequency attached by ClinVar (database versions not stated): ExAC 0.00001; TOPMed 0.00002; ESP Exome Variant Server 0.00012.
gnomAD v4.1: 11 of 1,613,044 alleles (0.00068%); highest among the groups gnomAD compares: South Asian, 0.0011%; no homozygotes.

Submissions (2):

Labcorp Genetics (formerly Invitae), Labcorp
Classification: Likely benign. Last evaluated: 2025-11-16. Review status: criteria provided, single submitter. Criteria: Invitae Variant Classification Sherloc (09022015). Collection method: clinical testing. Allele origin: germline.

PreventionGenetics, part of Exact Sciences
Classification: Likely benign for NEU1-related condition. Last evaluated: 2022-12-20. Review status: no assertion criteria provided. Collection method: clinical testing. Allele origin: germline. Not counted in ClinVar's aggregate classification.
Comment: This variant is classified as likely benign based on ACMG/AMP sequence variant interpretation guidelines (Richards et al. 2015 PMID: 25741868, with internal and published modifications).

NM_000434.4(NEU1):c.939C>T (p.Leu313=)

Gene: NEU1 (neuraminidase 1; minus strand). Cytogenetic location: 6p21.33.
Variant type: single nucleotide variant.
Coding change: c.939C>T on transcript NM_000434.4 (MANE Select); coding-DNA position 939, C replaced by T.
Protein change: p.Leu313=; no amino-acid change (leucine 313 retained).
Molecular consequence: synonymous variant.
Genome position (GRCh38, 1-based): chr6:31,860,124, G>A on the plus strand (C>T on the coding strand, the complement: NEU1 is on the minus strand). VCF-style: chr6-31860124-G-A. GRCh37 (hg19) VCF-style: chr6-31827901-G-A.
Other names: c.939C>T (NM_000434.3).
Identifiers: ClinVar variation 2893596 (VCV002893596.5), dbSNP rs149992593, ClinGen allele CA3724918.